The following is an entry in ClinVar:

NM_000020.3(ACVRL1):c.663del (p.Trp221fs)

Gene: ACVRL1 (activin A receptor like type 1; plus strand). Cytogenetic location: 12q13.13.
Variant type: Deletion.
Coding change: c.663del on transcript NM_000020.3 (MANE Select); coding-DNA position 663, one base deleted (G; older notation c.663delG).
Protein change: p.Trp221fs; shifts the reading frame from tryptophan 221.
Molecular consequence: frameshift variant.
Genome position (GRCh38, 1-based): chr12:51,914,476, G deleted; the last of 2 consecutive G bases (chr12:51,914,475-51,914,476); deleting either gives the same sequence. VCF-style (leftmost placement, unchanged base first): chr12-51914474-TG-T. GRCh37 (hg19) VCF-style: chr12-52308258-TG-T.
Other names: c.351del, p.Trp117fs (NM_001406493.1, NM_001406494.1, NM_001406490.1 and 2 more transcripts); c.99del, p.Trp33fs (NM_001406495.1); c.663del, p.Trp221fs (NM_001077401.2, NM_001406487.1, NM_001406488.1 and 1 more transcripts); short protein forms W117fs, W221fs, W33fs.
Identifiers: ClinVar variation 3650352 (VCV003650352.2).

ClinVar aggregate classification (germline): Pathogenic (1 of 4 stars; one submission).

Conditions:
Telangiectasia, hereditary hemorrhagic, type 2 (HHT2). Also called: ACVRL1-Related Hereditary Hemorrhagic Telangiectasia; Telangiectasia, hereditary hemorrhagic, type II. Identifiers: Orphanet 774, MedGen C1838163, MONDO:0010880, OMIM 600376. Disease mechanism: loss of function.

Submission:

Labcorp Genetics (formerly Invitae), Labcorp
Classification: Pathogenic for Telangiectasia, hereditary hemorrhagic, type 2. Last evaluated: 2024-05-31. Review status: criteria provided, single submitter. Criteria: Invitae Variant Classification Sherloc (09022015). Collection method: clinical testing. Allele origin: germline.
Comment: This sequence change creates a premature translational stop signal (p.Trp221Cysfs*37) in the ACVRL1 gene. It is expected to result in an absent or disrupted protein product. Loss-of-function variants in ACVRL1 are known to be pathogenic (PMID: 15879500). This variant is not present in population databases (gnomAD no frequency). This variant has not been reported in the literature in individuals affected with ACVRL1-related conditions. For these reasons, this variant has been classified as Pathogenic.

Literature cited by the submitters: PubMed 15879500.